The following is an entry in ClinVar:

ClinVar aggregate classification (germline): Pathogenic. Review status: no assertion criteria provided (0 of 4 stars). 2 submissions from 2 submitters: Pathogenic (2). Last evaluated 2021-07-01.

Conditions:
Gastric cancer. Also called: Stomach cancer; Malignant tumor of stomach. Identifiers: MedGen C0024623, MeSH D013274, MONDO:0001056, OMIM 613659, HP:0012126.

Submissions (2):

Laboratory for Genotyping Development, RIKEN
Classification: Pathogenic for Gastric cancer. Last evaluated: 2021-07-01. Review status: no assertion criteria provided. Collection method: research. Allele origin: germline.

Leiden Open Variation Database
Classification: Pathogenic. Last evaluated: 2019-08-13. Review status: no assertion criteria provided. Collection method: curation. Allele origin: germline. Affected: yes.
Comment: Curator: Arleen D. Auerbach. Submitter to LOVD: Yukihide Momozawa.

Literature cited by the submitters: PubMed 36988593 (cited by Laboratory for Genotyping Development, RIKEN); PubMed 31214711 (cited by Leiden Open Variation Database).

NM_032043.3(BRIP1):c.24T>G (p.Tyr8Ter)

Gene: BRIP1 (BRCA1 interacting DNA helicase 1; minus strand). Cytogenetic location: 17q23.2.
Variant type: single nucleotide variant.
Coding change: c.24T>G on transcript NM_032043.3 (MANE Select); coding-DNA position 24, T replaced by G.
Protein change: p.Tyr8Ter; replaces tyrosine 8 with a stop codon.
Molecular consequence: nonsense.
Genome position (GRCh38, 1-based): chr17:61,861,516, A>C on the plus strand (T>G on the coding strand, the complement: BRIP1 is on the minus strand). VCF-style: chr17-61861516-A-C. GRCh37 (hg19) VCF-style: chr17-59938877-A-C.
Other names: short protein forms Y8*.
Identifiers: ClinVar variation 929516 (VCV000929516.19), dbSNP rs752411477, ClinGen allele CA400486048.